The following is an entry in ClinVar:

NM_001080421.3(UNC13A):c.3588_3589insCC (p.Asn1197fs)

Gene: UNC13A (unc-13 homolog A; minus strand). Cytogenetic location: 19p13.11.
Variant type: Insertion.
Coding change: c.3588_3589insCC on transcript NM_001080421.3 (MANE Select); coding-DNA positions 3588 to 3589, CC inserted.
Protein change: p.Asn1197fs; shifts the reading frame from asparagine 1197.
Molecular consequence: frameshift variant.
Genome position: GRCh38 VCF-style: chr19-17630225-T-TGG. GRCh37 (hg19) VCF-style: chr19-17741034-T-TGG.
Other names: c.3582_3583insCC, p.Asn1195fs (NM_001387021.1, NM_001387022.1, NM_001387023.1); short protein forms N1195fs, N1197fs.
Identifiers: ClinVar variation 4278554 (VCV004278554.1).

ClinVar aggregate classification (germline): Uncertain significance (1 of 4 stars; one submission).

Submission:

GeneDx
Classification: Uncertain significance. Last evaluated: 2025-04-06. Review status: criteria provided, single submitter. Criteria: GeneDx Variant Classification Process June 2021. Collection method: clinical testing. Allele origin: germline. Affected: yes.
Comment: Not observed at significant frequency in large population cohorts (gnomAD); Frameshift variant predicted to result in protein truncation or nonsense mediated decay in a gene or region of a gene for which loss of function is not a well-established mechanism of disease; Has not been previously published as pathogenic or benign to our knowledge